The following is an entry in ClinVar:

ClinVar aggregate classification (germline): Likely benign (1 of 4 stars; one submission).

Allele frequency attached by ClinVar (database versions not stated): 1000 Genomes Project 0.00040; 1000 Genomes Project 30x 0.00047; gnomAD 0.00163; TOPMed 0.00179; ExAC 0.00193; ESP Exome Variant Server 0.00251; gnomAD exomes 0.00289.
gnomAD v4.1: 4,337 of 1,554,734 alleles (0.28%); highest among the groups gnomAD compares: Non-Finnish European, 0.35%; 9 homozygotes.

Submissions (3):

CeGaT Center for Human Genetics Tuebingen
Classification: Likely benign. Last evaluated: 2022-04-01. Review status: criteria provided, single submitter. Criteria: CeGaT Center For Human Genetics Tuebingen Variant Classification Criteria Version 2. Collection method: clinical testing. Allele origin: germline. Affected: yes. Observed: 1 variant allele.
Comment: MAMDC4: BP4, BP7

Dr. Peter K. Rogan Lab, Western University
No classification provided (evidence only). Condition: Uterine corpus endometrial carcinoma. Review status: no classification provided. Collection method: in vitro. Allele origin: not applicable. Functional consequence: retained intron. Not counted in ClinVar's aggregate classification.

Dr. Peter K. Rogan Lab, Western University
No classification provided (evidence only). Condition: Malignant tumor of esophagus. Review status: no classification provided. Collection method: in vitro. Allele origin: not applicable. Functional consequence: skipped exon, retained intron. Not counted in ClinVar's aggregate classification.

NM_206920.3(MAMDC4):c.3021C>T (p.Gly1007=)

Gene: MAMDC4 (MAM domain containing 4; plus strand). Cytogenetic location: 9q34.3.
Variant type: single nucleotide variant.
Coding change: c.3021C>T on transcript NM_206920.3 (MANE Select); coding-DNA position 3021, C replaced by T.
Protein change: p.Gly1007=; no amino-acid change (glycine 1007 retained).
Molecular consequence: synonymous variant.
Genome position (GRCh38, 1-based): chr9:136,859,069, C>T. VCF-style: chr9-136859069-C-T. GRCh37 (hg19) VCF-style: chr9-139753521-C-T.
Other names: NC_000009.11:g.139753521C>T.
Identifiers: ClinVar variation 2659760 (VCV002659760.25), dbSNP rs368792000, ClinGen allele CA5349279.